The following is an entry in ClinVar:

ClinVar aggregate classification (germline): Uncertain significance (1 of 4 stars; one submission).

Conditions:
Hereditary nonpolyposis colorectal neoplasms. Identifiers: MedGen C0009405, MeSH D003123.

Allele frequency attached by ClinVar (database versions not stated): gnomAD exomes below 0.00001.
gnomAD v4.1: 1 of 1,603,998 alleles (0.000062%); highest among the groups gnomAD compares: Non-Finnish European, 0.000085%; no homozygotes.

Submission:

Labcorp Genetics (formerly Invitae), Labcorp
Classification: Uncertain significance for Hereditary nonpolyposis colorectal neoplasms. Last evaluated: 2022-12-11. Review status: criteria provided, single submitter. Criteria: Invitae Variant Classification Sherloc (09022015). Collection method: clinical testing. Allele origin: germline.
Comment: In summary, the available evidence is currently insufficient to determine the role of this variant in disease. Therefore, it has been classified as a Variant of Uncertain Significance. Advanced modeling of protein sequence and biophysical properties (such as structural, functional, and spatial information, amino acid conservation, physicochemical variation, residue mobility, and thermodynamic stability) performed at Invitae indicates that this missense variant is expected to disrupt PMS2 protein function. This variant has not been reported in the literature in individuals affected with PMS2-related conditions. The frequency data for this variant in the population databases (gnomAD) is considered unreliable due to the presence of homologous sequence, such as pseudogenes or paralogs, in the genome. This sequence change replaces aspartic acid, which is acidic and polar, with asparagine, which is neutral and polar, at codon 704 of the PMS2 protein (p.Asp704Asn).

NM_000535.7(PMS2):c.2110G>A (p.Asp704Asn)

Gene: PMS2 (PMS1 homolog 2, mismatch repair system component; minus strand). Cytogenetic location: 7p22.1.
Variant type: single nucleotide variant.
Coding change: c.2110G>A on transcript NM_000535.7 (MANE Select); coding-DNA position 2110, G replaced by A.
Protein change: p.Asp704Asn; replaces aspartic acid 704 with asparagine.
Molecular consequence: missense variant. On other transcripts: non-coding transcript variant (1), intron variant (4).
Genome position (GRCh38, 1-based): chr7:5,982,888, C>T on the plus strand (G>A on the coding strand, the complement: PMS2 is on the minus strand). VCF-style: chr7-5982888-C-T. GRCh37 (hg19) VCF-style: chr7-6022519-C-T.
Other names: c.1177G>A, p.Asp393Asn (NM_001322012.2, NM_001322011.2); c.1537G>A, p.Asp513Asn (NM_001322013.2, NM_001406909.1); c.2110G>A, p.Asp704Asn (NM_001322014.2, NM_001406871.1); c.1801G>A, p.Asp601Asn (NM_001322015.2, NM_001406875.1, NM_001406877.1 and 5 more transcripts); c.2296G>A, p.Asp766Asn (NM_001406866.1); c.2134G>A, p.Asp712Asn (NM_001406868.1); c.2002G>A, p.Asp668Asn (NM_001406869.1); c.1954G>A, p.Asp652Asn (NM_001406870.1, NM_001322006.2); and 16 more; short protein forms D393N, D569N, D598N, D652N, D668N, D549N, D601N, D648N.
Identifiers: ClinVar variation 2786328 (VCV002786328.3), dbSNP rs2128703272, ClinGen allele CA366737978.